The following is an entry in ClinVar:

NM_004656.4(BAP1):c.507C>T (p.His169=)

Gene: BAP1 (BRCA1 associated deubiquitinase 1; minus strand). Cytogenetic location: 3p21.1.
Variant type: single nucleotide variant.
Coding change: c.507C>T on transcript NM_004656.4 (MANE Select); coding-DNA position 507, C replaced by T.
Protein change: p.His169=; no amino-acid change (histidine 169 retained).
Molecular consequence: synonymous variant.
Genome position (GRCh38, 1-based): chr3:52,407,247, G>A on the plus strand (C>T on the coding strand, the complement: BAP1 is on the minus strand). VCF-style: chr3-52407247-G-A. GRCh37 (hg19) VCF-style: chr3-52441263-G-A.
Identifiers: ClinVar variation 1606344 (VCV001606344.9), dbSNP rs2153227827, ClinGen allele CA433777193.

ClinVar aggregate classification (germline): Benign/Likely benign. Review status: criteria provided, multiple submitters, no conflicts (2 of 4 stars). 2 submissions from 2 submitters: Benign (1); Likely benign (1). Last evaluated 2024-07-12.

Conditions:
BAP1-related tumor predisposition syndrome (TPDS1). Also called: TUMOR PREDISPOSITION SYNDROME 1; COMMON Syndrome; BAP1 tumor predisposition syndrome; Tumor susceptibility linked to germline BAP1 mutations. Identifiers: Orphanet 289539, MedGen C3280492, MONDO:0013692, OMIM 614327.

Submissions (2):

Myriad Genetics, Inc.
Classification: Benign for BAP1-related tumor predisposition syndrome. Last evaluated: 2024-07-12. Review status: criteria provided, single submitter. Criteria: Myriad Autosomal Dominant, Autosomal Recessive and X-Linked Classification Criteria (2023). Collection method: clinical testing. Allele origin: unknown.
Comment: This variant is considered benign. This variant is a silent/synonymous amino acid change and it is not expected to impact splicing.

Labcorp Genetics (formerly Invitae), Labcorp
Classification: Likely benign for BAP1-related tumor predisposition syndrome. Last evaluated: 2023-11-17. Review status: criteria provided, single submitter. Criteria: Invitae Variant Classification Sherloc (09022015). Collection method: clinical testing. Allele origin: germline.